The following is an entry in ClinVar:

ClinVar aggregate classification (germline): Uncertain significance. Review status: criteria provided, multiple submitters, no conflicts (2 of 4 stars). 7 submissions from 7 submitters: Uncertain significance (5). 2 of the submissions do not count toward it. Last evaluated 2025-09-05.

Conditions:
Hereditary cancer-predisposing syndrome. Also called: Tumor predisposition; Neoplastic Syndromes, Hereditary; Hereditary Cancer Syndrome; Hereditary neoplastic syndrome. Identifiers: Orphanet 140162, MedGen C0027672, MeSH D009386, MONDO:0015356.
Breast and/or ovarian cancer. Identifiers: MedGen CN221562.
Familial cancer of breast. Also called: BREAST CANCER, FAMILIAL; Hereditary breast cancer; hereditary breast carcinoma. Identifiers: Orphanet 227535, MedGen C0346153, MONDO:0016419, OMIM 114480. Disease mechanism: loss of function.
Ataxia-telangiectasia syndrome (AT). Also called: ATAXIA-TELANGIECTASIA, COMPLEMENTATION GROUP A; ATAXIA-TELANGIECTASIA, FRESNO VARIANT; LOUIS-BAR SYNDROME; Ataxia telangiectasia (A-T); Cerebello-oculocutaneous telangiectasia; Immunodeficiency with ataxia telangiectasia. Identifiers: Orphanet 100, MedGen C0004135, MONDO:0008840, OMIM 208900.

Submissions (7):

Ambry Genetics
Classification: Uncertain significance for Hereditary cancer-predisposing syndrome. Last evaluated: 2025-09-05. Review status: criteria provided, single submitter. Criteria: Ambry Variant Classification Scheme 2023. Collection method: clinical testing. Allele origin: germline.
Comment: The c.649_651dupATT variant (also known as p.I217dup), located in coding exon 5 of the ATM gene, results from an in-frame duplication of ATT at nucleotide positions 649 to 651. This results in the duplication of an extra isoleucine residue between codons 217 and 218. This amino acid position is not well conserved in available vertebrate species. In addition, the in silico prediction for this alteration is inconclusive (Choi Y et al. PLoS ONE. 2012; 7(10):e46688). Since supporting evidence is limited at this time, the clinical significance of this alteration remains unclear.

Labcorp Genetics (formerly Invitae), Labcorp
Classification: Uncertain significance for Ataxia-telangiectasia syndrome. Last evaluated: 2024-05-15. Review status: criteria provided, single submitter. Criteria: Invitae Variant Classification Sherloc (09022015). Collection method: clinical testing. Allele origin: germline.
Comment: This variant, c.649_651dup, results in the insertion of 1 amino acid(s) of the ATM protein (p.Ile217dup), but otherwise preserves the integrity of the reading frame. This variant is not present in population databases (gnomAD no frequency). This variant has not been reported in the literature in individuals affected with ATM-related conditions. ClinVar contains an entry for this variant (Variation ID: 629484). Experimental studies and prediction algorithms are not available or were not evaluated, and the functional significance of this variant is currently unknown. In summary, the available evidence is currently insufficient to determine the role of this variant in disease. Therefore, it has been classified as a Variant of Uncertain Significance.

CHEO Genetics Diagnostic Laboratory, Children's Hospital of Eastern Ontario
Classification: Uncertain significance for Breast and/or ovarian cancer. Last evaluated: 2021-11-24. Review status: criteria provided, single submitter. Criteria: ACMG Guidelines, 2015. Collection method: clinical testing. Allele origin: germline.

Fulgent Genetics
Classification: Uncertain significance for Familial cancer of breast; Ataxia-telangiectasia syndrome. Last evaluated: 2021-07-26. Review status: criteria provided, single submitter. Criteria: ACMG Guidelines, 2015. Collection method: clinical testing. Allele origin: unknown.

Color Diagnostics, LLC DBA Color Health
Classification: Uncertain significance for Hereditary cancer-predisposing syndrome. Last evaluated: 2019-06-21. Review status: criteria provided, single submitter. Criteria: ACMG Guidelines, 2015. Collection method: clinical testing. Allele origin: germline.

Clinical Genetics Laboratory, Department of Pathology, Netherlands Cancer Institute
Classification: Uncertain significance. Review status: no assertion criteria provided. Collection method: clinical testing. Allele origin: germline. Affected: yes. Study: VKGL Data-share Consensus. Not counted in ClinVar's aggregate classification.

Genome Diagnostics Laboratory, Amsterdam University Medical Center
Classification: Uncertain significance. Review status: no assertion criteria provided. Collection method: clinical testing. Allele origin: germline. Affected: yes. Study: VKGL Data-share Consensus. Not counted in ClinVar's aggregate classification.

NM_000051.4(ATM):c.649_651dup (p.Ile217dup)

Gene: ATM (ATM serine/threonine kinase; plus strand). Cytogenetic location: 11q22.3.
Variant type: Duplication.
Coding change: c.649_651dup on transcript NM_000051.4 (MANE Select); coding-DNA positions 649 to 651, 3 bases duplicated (ATT; older notation c.649_651dupATT).
Protein change: p.Ile217dup; duplicates isoleucine 217.
Molecular consequence: inframe insertion.
Genome position (GRCh38, 1-based): chr11:108,244,105-108,244,107, ATT duplicated; duplicating any 3 consecutive bases within chr11:108,244,104-108,244,107 gives the same sequence; the c. name uses the placement nearest the transcript's 3' end. VCF-style (leftmost placement, unchanged base first): chr11-108244103-C-CTAT. GRCh37 (hg19) VCF-style: chr11-108114830-C-CTAT.
Other names: c.649_651dupATT (NM_000051.3); c.649_651dup, p.Ile217dup (NM_001351834.2).
Identifiers: ClinVar variation 629484 (VCV000629484.19), dbSNP rs1565369864, ClinGen allele CA913188413.